The following is an entry in ClinVar:

NM_014000.3(VCL):c.2306G>A (p.Arg769Lys)

Gene: VCL (vinculin; plus strand). Cytogenetic location: 10q22.2.
Variant type: single nucleotide variant.
Coding change: c.2306G>A on transcript NM_014000.3 (MANE Select); coding-DNA position 2306, G replaced by A.
Protein change: p.Arg769Lys; replaces arginine 769 with lysine.
Molecular consequence: missense variant.
Genome position (GRCh38, 1-based): chr10:74,105,225, G>A. VCF-style: chr10-74105225-G-A. GRCh37 (hg19) VCF-style: chr10-75864983-G-A.
Other names: c.2306G>A, p.Arg769Lys (NM_003373.4); short protein forms R769K.
Identifiers: ClinVar variation 3680744 (VCV003680744.2).

ClinVar aggregate classification (germline): Uncertain significance (1 of 4 stars; one submission).

Conditions:
Dilated cardiomyopathy 1W (CMD1W). Identifiers: Orphanet 154, MedGen C1969639, MONDO:0012667, OMIM 611407.

gnomAD v4.1: 4 of 1,614,172 alleles (0.00025%); highest among the groups gnomAD compares: Non-Finnish European, 0.00034%; no homozygotes.

Submission:

Labcorp Genetics (formerly Invitae), Labcorp
Classification: Uncertain significance for Dilated cardiomyopathy 1W. Last evaluated: 2024-11-16. Review status: criteria provided, single submitter. Criteria: Invitae Variant Classification Sherloc (09022015). Collection method: clinical testing. Allele origin: germline.
Comment: This sequence change replaces arginine, which is basic and polar, with lysine, which is basic and polar, at codon 769 of the VCL protein (p.Arg769Lys). This variant is not present in population databases (gnomAD no frequency). This variant has not been reported in the literature in individuals affected with VCL-related conditions. An algorithm developed to predict the effect of missense changes on protein structure and function (PolyPhen-2) suggests that this variant is likely to be tolerated. In summary, the available evidence is currently insufficient to determine the role of this variant in disease. Therefore, it has been classified as a Variant of Uncertain Significance.